The following is an entry in ClinVar:

ClinVar aggregate classification (germline): Uncertain significance. Review status: criteria provided, multiple submitters, no conflicts (2 of 4 stars). 2 submissions from 2 submitters: Uncertain significance (2). Last evaluated 2023-09-05.

Conditions:
Fanconi anemia complementation group J. Also called: BRIP1-Related Fanconi Anemia. Identifiers: Orphanet 84, MedGen C1836860, MONDO:0012187, OMIM 609054.
Familial cancer of breast. Also called: Hereditary breast cancer; hereditary breast carcinoma; BREAST CANCER, FAMILIAL. Identifiers: Orphanet 227535, MedGen C0346153, MONDO:0016419, OMIM 114480. Disease mechanism: loss of function.
Hereditary cancer-predisposing syndrome. Also called: Hereditary Cancer Syndrome; Hereditary neoplastic syndrome; Tumor predisposition; Neoplastic Syndromes, Hereditary. Identifiers: Orphanet 140162, MedGen C0027672, MeSH D009386, MONDO:0015356.

Submissions (2):

Color Diagnostics, LLC DBA Color Health
Classification: Uncertain significance for Hereditary cancer-predisposing syndrome. Last evaluated: 2023-09-05. Review status: criteria provided, single submitter. Criteria: ACMG Guidelines, 2015. Collection method: clinical testing. Allele origin: germline.
Comment: This missense variant replaces isoleucine with leucine at codon 275 in the BRIP1 protein. Computational prediction suggests that this variant may not impact protein structure and function (internally defined REVEL score threshold <= 0.5, PMID: 27666373). To our knowledge, functional studies have not been reported for this variant. This variant has not been reported in individuals affected with BRIP1-related disorders in the literature. This variant has not been identified in the general population by the Genome Aggregation Database (gnomAD). The available evidence is insufficient to determine the role of this variant in disease conclusively. Therefore, this variant is classified as a Variant of Uncertain Significance.

Labcorp Genetics (formerly Invitae), Labcorp
Classification: Uncertain significance for Familial cancer of breast; Fanconi anemia complementation group J. Last evaluated: 2023-05-28. Review status: criteria provided, single submitter. Criteria: Invitae Variant Classification Sherloc (09022015). Collection method: clinical testing. Allele origin: germline.
Comment: Advanced modeling of protein sequence and biophysical properties (such as structural, functional, and spatial information, amino acid conservation, physicochemical variation, residue mobility, and thermodynamic stability) performed at Invitae indicates that this missense variant is expected to disrupt BRIP1 protein function. In summary, the available evidence is currently insufficient to determine the role of this variant in disease. Therefore, it has been classified as a Variant of Uncertain Significance. This variant has not been reported in the literature in individuals affected with BRIP1-related conditions. This variant is not present in population databases (gnomAD no frequency). This sequence change replaces isoleucine, which is neutral and non-polar, with leucine, which is neutral and non-polar, at codon 275 of the BRIP1 protein (p.Ile275Leu).

NM_032043.3(BRIP1):c.823A>C (p.Ile275Leu)

Gene: BRIP1 (BRCA1 interacting DNA helicase 1; minus strand). Cytogenetic location: 17q23.2.
Variant type: single nucleotide variant.
Coding change: c.823A>C on transcript NM_032043.3 (MANE Select); coding-DNA position 823, A replaced by C.
Protein change: p.Ile275Leu; replaces isoleucine 275 with leucine.
Molecular consequence: missense variant.
Genome position (GRCh38, 1-based): chr17:61,808,562, T>G on the plus strand (A>C on the coding strand, the complement: BRIP1 is on the minus strand). VCF-style: chr17-61808562-T-G. GRCh37 (hg19) VCF-style: chr17-59885923-T-G.
Other names: short protein forms I275L.
Identifiers: ClinVar variation 2775003 (VCV002775003.5), dbSNP rs587781425, ClinGen allele CA400484842.